The following is an entry in ClinVar:

NM_002471.4(MYH6):c.3252-1G>A

Gene: MYH6 (myosin heavy chain 6; minus strand). Cytogenetic location: 14q11.2.
Variant type: single nucleotide variant.
Coding change: c.3252-1G>A on transcript NM_002471.4 (MANE Select); the canonical splice acceptor site of the intron before coding-DNA position 3252, G replaced by A.
Molecular consequence: splice acceptor variant.
Genome position (GRCh38, 1-based): chr14:23,392,653, C>T on the plus strand (G>A on the coding strand, the complement: MYH6 is on the minus strand). VCF-style: chr14-23392653-C-T. GRCh37 (hg19) VCF-style: chr14-23861862-C-T.
Identifiers: ClinVar variation 2627182 (VCV002627182.2), dbSNP rs2502166202, ClinGen allele CA389007423.

ClinVar aggregate classification (germline): Uncertain significance. Review status: criteria provided, multiple submitters, no conflicts (2 of 4 stars). 2 submissions from 2 submitters: Uncertain significance (2). Last evaluated 2023-11-16.

Allele frequency attached by ClinVar (database versions not stated): gnomAD exomes below 0.00001.
gnomAD v4.1: 1 of 1,324,072 alleles (0.000076%); highest among the groups gnomAD compares: South Asian, 0.0012%; no homozygotes.

Submissions (2):

GeneDx
Classification: Uncertain significance. Last evaluated: 2023-11-16. Review status: criteria provided, single submitter. Criteria: GeneDx Variant Classification Process June 2021. Collection method: clinical testing. Allele origin: germline. Affected: yes.
Comment: Has not been previously published as pathogenic or benign to our knowledge; Not observed at significant frequency in large population cohorts (gnomAD); Canonical splice site variant in a gene or region of a gene for which loss of function is not a well-established mechanism of disease

Women's Health and Genetics/Laboratory Corporation of America, LabCorp
Classification: Uncertain significance. Last evaluated: 2023-09-11. Review status: criteria provided, single submitter. Criteria: LabCorp Variant Classification Summary - May 2015. Collection method: clinical testing. Allele origin: germline.
Comment: Variant summary: MYH6 c.3252-1G>A is located in a canonical splice-site and is predicted to affect mRNA splicing resulting in a significantly altered protein due to either exon skipping, shortening, or inclusion of intronic material. Several computational tools predict a significant impact on normal splicing: 4/4 predict the variant abolishes a canonical 3' acceptor site, and 3/3 predict the variant creates a cryptic 3' acceptor site 1nt into exon 25. However, these predictions have yet to be confirmed by functional studies. The variant was absent in 250490 control chromosomes (gnomAD). The available data on variant occurrences in the general population are insufficient to allow any conclusion about variant significance. To our knowledge, no occurrence of c.3252-1G>A in individuals affected with Cardiomyopathy and no experimental evidence demonstrating its impact on protein function have been reported. No submitters have cited clinical-significance assessments for this variant to ClinVar after 2014. Based on the evidence outlined above, the variant was classified as uncertain significance.